The following is an entry in ClinVar:

NM_006514.4(SCN10A):c.4716C>G (p.Phe1572Leu)

Gene: SCN10A (sodium voltage-gated channel alpha subunit 10; minus strand). Cytogenetic location: 3p22.2.
Variant type: single nucleotide variant.
Coding change: c.4716C>G on transcript NM_006514.4 (MANE Select); coding-DNA position 4716, C replaced by G.
Protein change: p.Phe1572Leu; replaces phenylalanine 1572 with leucine.
Molecular consequence: missense variant.
Genome position (GRCh38, 1-based): chr3:38,698,504, G>C on the plus strand (C>G on the coding strand, the complement: SCN10A is on the minus strand). VCF-style: chr3-38698504-G-C. GRCh37 (hg19) VCF-style: chr3-38739995-G-C.
Other names: c.4713C>G, p.Phe1571Leu (NM_001293306.2); c.4422C>G, p.Phe1474Leu (NM_001293307.2); short protein forms F1571L, F1572L, F1474L.
Identifiers: ClinVar variation 1742613 (VCV001742613.3), dbSNP rs868266071, ClinGen allele CA352155874.
Genomic context (GRCh38, chr3:38,698,504, plus strand): 5'-CCCCTTGGCCGCTCGGATCAGTCTGAGGATGCGGCCAATTCGGGCCAGGCGGATGACTCT[G>C]AAGAGCGTTGGGGAGAAGTAACTTTGAAGTGACTTAAGAATTGCAGAAAAAATCAGGCCT-3'
Protein context (NP_006505.4, residues 1562-1582): SLQSYFSPTL[Phe1572Leu]RVIRLARIGR

ClinVar aggregate classification (germline): Uncertain significance (1 of 4 stars; one submission).

Conditions:
Cardiovascular phenotype. Identifiers: MedGen CN230736.

Submission:

Ambry Genetics
Classification: Uncertain significance for Cardiovascular phenotype. Last evaluated: 2024-05-30. Review status: criteria provided, single submitter. Criteria: Ambry Variant Classification Scheme 2023. Collection method: clinical testing. Allele origin: germline.
Comment: The p.F1572L variant (also known as c.4716C>G), located in coding exon 27 of the SCN10A gene, results from a C to G substitution at nucleotide position 4716. The phenylalanine at codon 1572 is replaced by leucine, an amino acid with highly similar properties. This amino acid position is well conserved in available vertebrate species; however, leucine is the reference amino acid in other vertebrate species. In addition, the in silico prediction for this alteration is inconclusive. Since supporting evidence is limited at this time, the clinical significance of this alteration remains unclear.